The following is an entry in ClinVar:

ClinVar aggregate classification (germline): Benign/Likely benign. Review status: criteria provided, multiple submitters, no conflicts (2 of 4 stars). 5 submissions from 5 submitters: Benign (2); Likely benign (2). 1 of the submissions does not count toward it. Last evaluated 2026-08-01.

Conditions:
GNB1-related disorder. Also called: GNB1-related condition.

Allele frequency attached by ClinVar (database versions not stated): gnomAD exomes 0.00082; ExAC 0.00088; TOPMed 0.00116; gnomAD 0.00124; ESP Exome Variant Server 0.00154.
gnomAD v4.1: 2,286 of 1,609,700 alleles (0.14%); highest among the groups gnomAD compares: Non-Finnish European, 0.18%; 1 homozygote.

Submissions (5):

CeGaT Center for Human Genetics Tuebingen
Classification: Likely benign. Last evaluated: 2026-08-01. Review status: criteria provided, single submitter. Criteria: CeGaT Center For Human Genetics Tuebingen Variant Classification Criteria Version 2. Collection method: clinical testing. Allele origin: germline. Affected: yes. Observed: 17 variant alleles.
Comment: GNB1: BP4, BP7

Labcorp Genetics (formerly Invitae), Labcorp
Classification: Benign. Last evaluated: 2026-02-02. Review status: criteria provided, single submitter. Criteria: Invitae Variant Classification Sherloc (09022015). Collection method: clinical testing. Allele origin: germline.

Blueprint Genetics
Classification: Likely benign. Last evaluated: 2024-11-25. Review status: criteria provided, single submitter. Criteria: ACMG Guidelines, 2015. Collection method: clinical testing. Allele origin: germline.

Breakthrough Genomics
Classification: Benign. Review status: criteria provided, single submitter. Criteria: ACMG Guidelines, 2015. Collection method: not provided. Allele origin: germline. Inheritance: Autosomal dominant inheritance. Affected: yes.

PreventionGenetics, part of Exact Sciences
Classification: Likely benign for GNB1-related condition. Last evaluated: 2024-01-19. Review status: no assertion criteria provided. Collection method: clinical testing. Allele origin: germline. Not counted in ClinVar's aggregate classification.
Comment: This variant is classified as likely benign based on ACMG/AMP sequence variant interpretation guidelines (Richards et al. 2015 PMID: 25741868, with internal and published modifications).

NM_002074.5(GNB1):c.495G>A (p.Thr165=)

Gene: GNB1 (G protein subunit beta 1; minus strand). Cytogenetic location: 1p36.33.
Variant type: single nucleotide variant.
Coding change: c.495G>A on transcript NM_002074.5 (MANE Select); coding-DNA position 495, G replaced by A.
Protein change: p.Thr165=; no amino-acid change (threonine 165 retained).
Molecular consequence: synonymous variant.
Genome position (GRCh38, 1-based): chr1:1,793,247, C>T on the plus strand (G>A on the coding strand, the complement: GNB1 is on the minus strand). VCF-style: chr1-1793247-C-T. GRCh37 (hg19) VCF-style: chr1-1724686-C-T.
Other names: c.195G>A, p.Thr65= (NM_001282538.2); c.495G>A, p.Thr165= (NM_001282539.2).
Identifiers: ClinVar variation 740983 (VCV000740983.35), dbSNP rs143709588, ClinGen allele CA532006.
Genomic context (GRCh38, chr1:1,793,247, plus strand): 5'-GAATGTGCCAGGGGCTGTGGGTTCTCAAGGCACTGCCTGCCCCGGGTCAGGTACTTACCA[C>T]GTGGTGTCTCCAGAGCTGGTGACGATCTGATTGTCATCCAGGAATCGGCAGCAGGACAGG-3'
Protein context (NP_002065.1, residues 155-175): NQIVTSSGDT[Thr165=]CALWDIETGQ